The following is an entry in ClinVar:

NM_020297.4(ABCC9):c.256G>C (p.Glu86Gln)

Gene: ABCC9 (ATP binding cassette subfamily C member 9; minus strand). Cytogenetic location: 12p12.1.
Variant type: single nucleotide variant.
Coding change: c.256G>C on transcript NM_020297.4 (MANE Select); coding-DNA position 256, G replaced by C.
Protein change: p.Glu86Gln; replaces glutamic acid 86 with glutamine.
Molecular consequence: missense variant. On other transcripts: 5 prime UTR variant (1).
Genome position (GRCh38, 1-based): chr12:21,933,810, C>G on the plus strand (G>C on the coding strand, the complement: ABCC9 is on the minus strand). VCF-style: chr12-21933810-C-G. GRCh37 (hg19) VCF-style: chr12-22086744-C-G.
Other names: c.256G>C, p.Glu86Gln (NM_001377273.1, NM_005691.4); c.-199G>C (NM_001377274.1); short protein forms E86Q.
Identifiers: ClinVar variation 518600 (VCV000518600.13), dbSNP rs774026262, ClinGen allele CA6481923.

ClinVar aggregate classification (germline): Uncertain significance. Review status: criteria provided, multiple submitters, no conflicts (2 of 4 stars). 2 submissions from 2 submitters: Uncertain significance (2). Last evaluated 2026-01-16.

Conditions:
Dilated cardiomyopathy 1O (CMD1O). Also called: CARDIOMYOPATHY, DILATED, WITH VENTRICULAR TACHYCARDIA. Identifiers: Orphanet 154, MedGen C1837839, MONDO:0012062, OMIM 608569.
Cardiovascular phenotype. Identifiers: MedGen CN230736.

Allele frequency attached by ClinVar (database versions not stated): ExAC 0.00002; gnomAD exomes 0.00004.
gnomAD v4.1: 25 of 1,613,474 alleles (0.0015%); highest among the groups gnomAD compares: South Asian, 0.025%; no homozygotes.

Submissions (2):

Labcorp Genetics (formerly Invitae), Labcorp
Classification: Uncertain significance for Dilated cardiomyopathy 1O. Last evaluated: 2026-01-16. Review status: criteria provided, single submitter. Criteria: Invitae Variant Classification Sherloc (09022015). Collection method: clinical testing. Allele origin: germline.
Comment: This sequence change replaces glutamic acid, which is acidic and polar, with glutamine, which is neutral and polar, at codon 86 of the ABCC9 protein (p.Glu86Gln). This variant is present in population databases (rs774026262, gnomAD 0.03%). This variant has not been reported in the literature in individuals affected with ABCC9-related conditions. ClinVar contains an entry for this variant (Variation ID: 518600). Invitae Evidence Modeling of protein sequence and biophysical properties (such as structural, functional, and spatial information, amino acid conservation, physicochemical variation, residue mobility, and thermodynamic stability) indicates that this missense variant is expected to disrupt ABCC9 protein function with a positive predictive value of 80%. In summary, the available evidence is currently insufficient to determine the role of this variant in disease. Therefore, it has been classified as a Variant of Uncertain Significance.

Ambry Genetics
Classification: Uncertain significance for Cardiovascular phenotype. Last evaluated: 2017-07-12. Review status: criteria provided, single submitter. Criteria: Ambry Variant Classification Scheme 2023. Collection method: clinical testing. Allele origin: germline.
Comment: The p.E86Q variant (also known as c.256G>C), located in coding exon 2 of the ABCC9 gene, results from a G to C substitution at nucleotide position 256. The glutamic acid at codon 86 is replaced by glutamine, an amino acid with highly similar properties. This amino acid position is well conserved in available vertebrate species. In addition, the in silico prediction for this alteration is inconclusive. Since supporting evidence is limited at this time, the clinical significance of this alteration remains unclear.